The following is an entry in ClinVar:

NM_001111.5(ADAR):c.1739A>G (p.Lys580Arg)

Gene: ADAR (adenosine deaminase RNA specific; minus strand). Cytogenetic location: 1q21.3.
Variant type: single nucleotide variant.
Coding change: c.1739A>G on transcript NM_001111.5 (MANE Select); coding-DNA position 1739, A replaced by G.
Protein change: p.Lys580Arg; replaces lysine 580 with arginine.
Molecular consequence: missense variant.
Genome position (GRCh38, 1-based): chr1:154,598,448, T>C on the plus strand (A>G on the coding strand, the complement: ADAR is on the minus strand). VCF-style: chr1-154598448-T-C. GRCh37 (hg19) VCF-style: chr1-154570924-T-C.
Other names: c.854A>G, p.Lys285Arg (NM_001025107.3, NM_001193495.2, NM_001365046.1 and 3 more transcripts); c.1766A>G, p.Lys589Arg (NM_001365045.1); c.1739A>G, p.Lys580Arg (NM_015840.4, NM_015841.4); short protein forms K580R, K589R, K285R.
Identifiers: ClinVar variation 2947736 (VCV002947736.3), dbSNP rs1345385120, ClinGen allele CA342639369.

ClinVar aggregate classification (germline): Uncertain significance (1 of 4 stars; one submission).

Conditions:
Symmetrical dyschromatosis of extremities (DSH). Also called: RETICULATE ACROPIGMENTATION OF DOHI; SYMMETRIC DYSCHROMATOSIS OF THE EXTREMITIES; DYSCHROMATOSIS SYMMETRICA HEREDITARIA 1; Dyschromatosis symmetrica hereditaria. Identifiers: Orphanet 41, MedGen C0406775, MONDO:0007483, OMIM 127400.
Aicardi-Goutieres syndrome 6 (AGS6). Identifiers: Orphanet 51, MedGen C3539013, MONDO:0014007, OMIM 615010.

Allele frequency attached by ClinVar (database versions not stated): gnomAD exomes 0.00001.
gnomAD v4.1: 11 of 1,614,226 alleles (0.00068%); highest among the groups gnomAD compares: Non-Finnish European, 0.00093%; no homozygotes.

Submission:

Labcorp Genetics (formerly Invitae), Labcorp
Classification: Uncertain significance for Aicardi-Goutieres syndrome 6; Symmetrical dyschromatosis of extremities. Last evaluated: 2024-09-30. Review status: criteria provided, single submitter. Criteria: Invitae Variant Classification Sherloc (09022015). Collection method: clinical testing. Allele origin: germline.
Comment: This sequence change replaces lysine, which is basic and polar, with arginine, which is basic and polar, at codon 580 of the ADAR protein (p.Lys580Arg). This variant is present in population databases (no rsID available, gnomAD 0.0009%). This variant has not been reported in the literature in individuals affected with ADAR-related conditions. Invitae Evidence Modeling of protein sequence and biophysical properties (such as structural, functional, and spatial information, amino acid conservation, physicochemical variation, residue mobility, and thermodynamic stability) indicates that this missense variant is not expected to disrupt ADAR protein function with a negative predictive value of 80%. In summary, the available evidence is currently insufficient to determine the role of this variant in disease. Therefore, it has been classified as a Variant of Uncertain Significance.